The following is an entry in ClinVar:

NM_001164508.2(NEB):c.18830_18831del (p.Thr6277fs)

Gene: NEB (nebulin; minus strand). Cytogenetic location: 2q23.3.
Variant type: Deletion.
Coding change: c.18830_18831del on transcript NM_001164508.2 (MANE Select); coding-DNA positions 18830 to 18831, 2 bases deleted (CG; older notation c.18830_18831delCG).
Protein change: p.Thr6277fs; shifts the reading frame from threonine 6277.
Molecular consequence: frameshift variant.
Genome position (GRCh38, 1-based): chr2:151,562,671-151,562,672, CG deleted on the plus strand (CG on the coding strand, the reverse complement: NEB is on the minus strand). VCF-style (leftmost placement, unchanged base first): chr2-151562670-ACG-A. GRCh37 (hg19) VCF-style: chr2-152419184-ACG-A.
Other names: c.18830_18831del, p.Thr6277fs (NM_001164507.2, NM_001271208.2); c.13727_13728del, p.Thr4576fs (NM_004543.5); short protein forms T6277fs, T4576fs.
Identifiers: ClinVar variation 432818 (VCV000432818.2), dbSNP rs1553762626, ClinGen allele CA645372601.
Genomic context (GRCh38, chr2:151,562,670, plus strand): 5'-CATCACTCAAGATCTCCTGGGCGTTTCGGACGCGTATAACATTGGGTTCTTCCAGAAGAG[ACG>A]TCCACTGGTGGAAATAGTGTCGATACTCCAGGTCACTGAGGATGTACTGGCACCTTTTAG-3'

ClinVar aggregate classification (germline): Pathogenic (1 of 4 stars; one submission).

Submission:

GeneDx
Classification: Pathogenic. Last evaluated: 2017-06-19. Review status: criteria provided, single submitter. Criteria: GeneDx Variant Classification (06012015). Collection method: clinical testing. Allele origin: germline. Affected: yes.
Comment: The c.18830_18831delCG pathogenic variant in the NEB gene has not been reported previously as a pathogenic variant, nor as a benign variant, to our knowledge. The c.18830_18831delCG variant causes a frameshift starting with codon Threonine 6277, changes this amino acid to a Isoleucine residue, and creates a premature Stop codon at position 20 of the new reading frame, denoted p.Thr6277IlefsX20. This variant is predicted to cause loss of normal protein function either through protein truncation or nonsense-mediated mRNA decay. The c.18830_18831delCG variant is not observed in large population cohorts (Lek et al., 2016; 1000 Genomes Consortium et al., 2015; Exome Variant Server). We interpret c.18830_18831delCG as a pathogenic variant.